The following is an entry in ClinVar:

NM_001365951.3(KIF1B):c.2115+7041C>G

Gene: KIF1B (kinesin family member 1B; plus strand). Cytogenetic location: 1p36.22.
Variant type: single nucleotide variant.
Coding change: c.2115+7041C>G on transcript NM_001365951.3 (MANE Select); 7041 bases into the intron after coding-DNA position 2115, C replaced by G.
Molecular consequence: intron variant. On other transcripts: missense variant (2).
Genome position (GRCh38, 1-based): chr1:10,304,287, C>G. VCF-style: chr1-10304287-C-G. GRCh37 (hg19) VCF-style: chr1-10364345-C-G.
Other names: c.3102C>G, p.Ser1034Arg (NM_001365953.1, NM_183416.4); c.1977+7041C>G (NM_015074.3); c.2115+7041C>G (NM_001365952.1); short protein forms S1034R.
Identifiers: ClinVar variation 3350925 (VCV003350925.2).

ClinVar aggregate classification (germline): Uncertain significance (1 of 4 stars; one submission).

Conditions:
KIF1B-related disorder. Also called: KIF1B-related condition.

gnomAD v4.1: 24 of 1,614,072 alleles (0.0015%); highest among the groups gnomAD compares: Non-Finnish European, 0.0017%; no homozygotes.

Submission:

PreventionGenetics, part of Exact Sciences
Classification: Uncertain significance for KIF1B-related condition. Last evaluated: 2026-09-25. Review status: criteria provided, single submitter. Criteria: ACMG Guidelines, 2015. Collection method: clinical testing. Allele origin: germline.
Comment: The KIF1B c.3102C>G variant is predicted to result in the amino acid substitution p.Ser1034Arg. his variant can also be referred to as the deep intronic variant c.1977+7041C>G using an alternative transcript (NM_015074), which is not predicted to impact splicing based on an available computational splicing program (SpliceAI, Jaganathan et al. 2019. PubMed ID: 30661751). To our knowledge, this variant has not been reported in the literature. This variant is reported in 0.0018% of alleles in individuals of European (Non-Finnish) descent in gnomAD. Although this variant could be benign, at this time, the clinical significance of this variant is uncertain due to the absence of conclusive functional and genetic evidence.